The following is an entry in ClinVar:

NM_006231.4(POLE):c.238A>G (p.Ser80Gly)

Gene: POLE (DNA polymerase epsilon, catalytic subunit; minus strand). Cytogenetic location: 12q24.33.
Variant type: single nucleotide variant.
Coding change: c.238A>G on transcript NM_006231.4 (MANE Select); coding-DNA position 238, A replaced by G.
Protein change: p.Ser80Gly; replaces serine 80 with glycine.
Molecular consequence: missense variant.
Genome position (GRCh38, 1-based): chr12:132,680,654, T>C on the plus strand (A>G on the coding strand, the complement: POLE is on the minus strand). VCF-style: chr12-132680654-T-C. GRCh37 (hg19) VCF-style: chr12-133257240-T-C.
Other names: short protein forms S80G.
Identifiers: ClinVar variation 1717993 (VCV001717993.3), dbSNP rs2542194123, ClinGen allele CA387369206.
Genomic context (GRCh38, chr12:132,680,654, plus strand): 5'-GTCAGGGGCTTACCTTAAATCTGCTTCCGTCATCTTGAATAAAGTAGTAATCCACTGCAC[T>C]GCCTAAGCGCTTATCTTCATCTAAAATCTCGGTCTACAAGAGAATCAGTCAACACAGACA-3'
Protein context (NP_006222.2, residues 70-90): EILDEDKRLG[Ser80Gly]AVDYYFIQDD

ClinVar aggregate classification (germline): Uncertain significance (1 of 4 stars; one submission).

Conditions:
Colorectal cancer, susceptibility to, 12 (CRCS12). Also called: COLORECTAL CANCER, SUSCEPTIBILITY TO, ON CHROMOSOME 12q24. Identifiers: Orphanet 220460, MedGen C3554460, MONDO:0014038, OMIM 615083.

Submission:

Labcorp Genetics (formerly Invitae), Labcorp
Classification: Uncertain significance for Colorectal cancer, susceptibility to, 12. Last evaluated: 2022-08-24. Review status: criteria provided, single submitter. Criteria: Invitae Variant Classification Sherloc (09022015). Collection method: clinical testing. Allele origin: germline.
Comment: This sequence change replaces serine, which is neutral and polar, with glycine, which is neutral and non-polar, at codon 80 of the POLE protein (p.Ser80Gly). This variant is not present in population databases (gnomAD no frequency). This variant has not been reported in the literature in individuals affected with POLE-related conditions. Algorithms developed to predict the effect of missense changes on protein structure and function are either unavailable or do not agree on the potential impact of this missense change (SIFT: "Deleterious"; PolyPhen-2: "Probably Damaging"; Align-GVGD: "Class C0"). In summary, the available evidence is currently insufficient to determine the role of this variant in disease. Therefore, it has been classified as a Variant of Uncertain Significance.